The following is an entry in ClinVar:

NM_144997.7(FLCN):c.871+43C>T

Gene: FLCN (folliculin; minus strand). Cytogenetic location: 17p11.2.
Variant type: single nucleotide variant.
Coding change: c.871+43C>T on transcript NM_144997.7 (MANE Select); 43 bases into the intron after coding-DNA position 871, C replaced by T.
Molecular consequence: intron variant. On other transcripts: missense variant (1).
Genome position (GRCh38, 1-based): chr17:17,221,494, G>A on the plus strand (C>T on the coding strand, the complement: FLCN is on the minus strand). VCF-style: chr17-17221494-G-A. GRCh37 (hg19) VCF-style: chr17-17124808-G-A.
Other names: c.914C>T, p.Pro305Leu (NM_144606.7); c.871+43C>T (NM_001353231.2, NM_001353230.2); c.925+43C>T (NM_001353229.2); short protein forms P305L.
Identifiers: ClinVar variation 2503512 (VCV002503512.1), dbSNP rs1353479689, ClinGen allele CA398533521.

ClinVar aggregate classification (germline): Uncertain significance (1 of 4 stars; one submission).

Conditions:
Birt-Hogg-Dube syndrome. Also called: Birt Hogg Dubé syndrome. Identifiers: Orphanet 122, MedGen C0346010, MONDO:0800444.

Allele frequency attached by ClinVar (database versions not stated): gnomAD 0.00001; gnomAD exomes 0.00001; 1000 Genomes Project 30x 0.00016.
gnomAD v4.1: 17 of 1,613,858 alleles (0.0011%); highest among the groups gnomAD compares: Non-Finnish European, 0.0014%; no homozygotes.

Submission:

St. Jude Molecular Pathology, St. Jude Children's Research Hospital
Classification: Uncertain significance for Birt-Hogg-Dube syndrome 1. Last evaluated: 2023-03-30. Review status: criteria provided, single submitter. Criteria: St. Jude Assertion Criteria 2020. Collection method: clinical testing. Allele origin: germline.
Comment: The FLCN c.914C>T (p.Pro305Leu) missense change has a maximum subpopulation frequency of 0.0009% in gnomAD v2.1.1. The in silico tool REVEL predicts a benign effect on protein function, but to our knowledge this prediction has not been confirmed by functional studies. To our knowledge, this variant has not been reported in individuals with Birt-Hogg-Dubé syndrome. In summary, the evidence currently available is insufficient to determine the clinical significance of this variant. It has therefore been classified as of uncertain significance.